The following is an entry in ClinVar:

ClinVar aggregate classification (germline): Uncertain significance. Review status: criteria provided, multiple submitters, no conflicts (2 of 4 stars). 2 submissions from 2 submitters: Uncertain significance (2). Last evaluated 2026-04-04.

Conditions:
Cohen syndrome (COH1). Also called: Cutis verticis gyrata, retinitis pigmentosa, and sensorineural deafness; PEPPER SYNDROME. Identifiers: Orphanet 193, MedGen C0265223, MONDO:0008999, OMIM 216550.
VPS13B-related disorder. Also called: VPS13B-related condition.

Allele frequency attached by ClinVar (database versions not stated): gnomAD exomes below 0.00001 and 0.00001; ExAC 0.00001; TOPMed 0.00002; gnomAD 0.00004; 1000 Genomes Project 0.00020; 1000 Genomes Project 30x 0.00031.
gnomAD v4.1: 10 of 1,614,202 alleles (0.00062%); highest among the groups gnomAD compares: Admixed American, 0.0067%; no homozygotes.

Submissions (2):

PreventionGenetics, part of Exact Sciences
Classification: Uncertain significance for VPS13B-related condition. Last evaluated: 2026-04-04. Review status: criteria provided, single submitter. Criteria: ACMG Guidelines, 2015. Collection method: clinical testing. Allele origin: germline.
Comment: The VPS13B c.1168A>G variant is predicted to result in the amino acid substitution p.Ile390Val. To our knowledge, this variant has not been reported in the literature. This variant is reported in 0.0065% of alleles in individuals of South Asian descent in gnomAD. At this time, the clinical significance of this variant is uncertain due to the absence of conclusive functional and genetic evidence.

Labcorp Genetics (formerly Invitae), Labcorp
Classification: Uncertain significance for Cohen syndrome. Last evaluated: 2025-09-30. Review status: criteria provided, single submitter. Criteria: Invitae Variant Classification Sherloc (09022015). Collection method: clinical testing. Allele origin: germline.
Comment: This sequence change replaces isoleucine, which is neutral and non-polar, with valine, which is neutral and non-polar, at codon 390 of the VPS13B protein (p.Ile390Val). This variant is present in population databases (rs563261178, gnomAD 0.006%). This variant has not been reported in the literature in individuals affected with VPS13B-related conditions. ClinVar contains an entry for this variant (Variation ID: 1475229). Invitae Evidence Modeling of protein sequence and biophysical properties (such as structural, functional, and spatial information, amino acid conservation, physicochemical variation, residue mobility, and thermodynamic stability) indicates that this missense variant is not expected to disrupt VPS13B protein function with a negative predictive value of 80%. In summary, the available evidence is currently insufficient to determine the role of this variant in disease. Therefore, it has been classified as a Variant of Uncertain Significance.

NM_152564.5(VPS13B):c.1168A>G (p.Ile390Val)

Gene: VPS13B (vacuolar protein sorting 13 homolog B; plus strand). Cytogenetic location: 8q22.2.
Variant type: single nucleotide variant.
Coding change: c.1168A>G on transcript NM_152564.5 (MANE Select); coding-DNA position 1168, A replaced by G.
Protein change: p.Ile390Val; replaces isoleucine 390 with valine.
Molecular consequence: missense variant. On other transcripts: non-coding transcript variant (1).
Genome position (GRCh38, 1-based): chr8:99,121,407, A>G. VCF-style: chr8-99121407-A-G. GRCh37 (hg19) VCF-style: chr8-100133635-A-G.
Other names: c.1168A>G (NM_152564.4); c.1168A>G, p.Ile390Val (NM_015243.3, NM_017890.5, NM_181661.3); short protein forms I390V.
Identifiers: ClinVar variation 1475229 (VCV001475229.6), dbSNP rs563261178, ClinGen allele CA4822552.